The following is an entry in ClinVar:

NM_001008212.2(OPTN):c.898G>A (p.Glu300Lys)

Gene: OPTN (optineurin; plus strand). Cytogenetic location: 10p13.
Variant type: single nucleotide variant.
Coding change: c.898G>A on transcript NM_001008212.2 (MANE Select); coding-DNA position 898, G replaced by A.
Protein change: p.Glu300Lys; replaces glutamic acid 300 with lysine.
Molecular consequence: missense variant.
Genome position (GRCh38, 1-based): chr10:13,124,010, G>A. VCF-style: chr10-13124010-G-A. GRCh37 (hg19) VCF-style: chr10-13166010-G-A.
Other names: c.898G>A, p.Glu300Lys (NM_001008211.1, NM_001008213.1, NM_021980.4); short protein forms E300K.
Identifiers: ClinVar variation 4791499 (VCV004791499.1).

ClinVar aggregate classification (germline): Uncertain significance (1 of 4 stars; one submission).

Conditions:
Amyotrophic lateral sclerosis type 12 (ALS12). Also called: AMYOTROPHIC LATERAL SCLEROSIS 12 WITH OR WITHOUT FRONTOTEMPORAL DEMENTIA. Identifiers: Orphanet 803, MedGen C3150692, MONDO:0013264, OMIM 613435.
Primary open angle glaucoma (POAG). Also called: OPTN-related open angle glaucoma. Identifiers: MedGen C0339573, MONDO:0100553, OMIM 137760.
Glaucoma 1, open angle, E. Identifiers: MedGen C1842026, MONDO:0007665.

gnomAD v4.1: 12 of 1,613,406 alleles (0.00074%); highest among the groups gnomAD compares: East Asian, 0.027%; no homozygotes.

Submission:

Labcorp Genetics (formerly Invitae), Labcorp
Classification: Uncertain significance for Primary open angle glaucoma; Glaucoma 1, open angle, E; Amyotrophic lateral sclerosis type 12. Last evaluated: 2025-10-29. Review status: criteria provided, single submitter. Criteria: Invitae Variant Classification Sherloc (09022015). Collection method: clinical testing. Allele origin: germline.
Comment: This sequence change replaces glutamic acid, which is acidic and polar, with lysine, which is basic and polar, at codon 300 of the OPTN protein (p.Glu300Lys). This variant is not present in population databases (gnomAD no frequency). This variant has not been reported in the literature in individuals affected with OPTN-related conditions. Invitae Evidence Modeling of protein sequence and biophysical properties (such as structural, functional, and spatial information, amino acid conservation, physicochemical variation, residue mobility, and thermodynamic stability) indicates that this missense variant is not expected to disrupt OPTN protein function with a negative predictive value of 80%. In summary, the available evidence is currently insufficient to determine the role of this variant in disease. Therefore, it has been classified as a Variant of Uncertain Significance.